The following is an entry in ClinVar:

NM_032043.3(BRIP1):c.103G>T (p.Gly35Ter)

Gene: BRIP1 (BRCA1 interacting DNA helicase 1; minus strand). Cytogenetic location: 17q23.2.
Variant type: single nucleotide variant.
Coding change: c.103G>T on transcript NM_032043.3 (MANE Select); coding-DNA position 103, G replaced by T.
Protein change: p.Gly35Ter; replaces glycine 35 with a stop codon.
Molecular consequence: nonsense.
Genome position (GRCh38, 1-based): chr17:61,859,898, C>A on the plus strand (G>T on the coding strand, the complement: BRIP1 is on the minus strand). VCF-style: chr17-61859898-C-A. GRCh37 (hg19) VCF-style: chr17-59937259-C-A.
Other names: short protein forms G35*.
Identifiers: ClinVar variation 530296 (VCV000530296.26), dbSNP rs373104267, ClinGen allele CA400485866.

ClinVar aggregate classification (germline): Pathogenic/Likely pathogenic. Review status: criteria provided, multiple submitters, no conflicts (2 of 4 stars). 7 submissions from 7 submitters: Pathogenic (5); Likely pathogenic (2). Last evaluated 2025-11-01.

Conditions:
Hereditary cancer-predisposing syndrome. Also called: Neoplastic Syndromes, Hereditary; Hereditary Cancer Syndrome; Tumor predisposition; Hereditary neoplastic syndrome. Identifiers: Orphanet 140162, MedGen C0027672, MeSH D009386, MONDO:0015356.
Familial cancer of breast. Also called: Hereditary breast cancer; BREAST CANCER, FAMILIAL; hereditary breast carcinoma. Identifiers: Orphanet 227535, MedGen C0346153, MONDO:0016419, OMIM 114480. Disease mechanism: loss of function.
Fanconi anemia complementation group J. Also called: BRIP1-Related Fanconi Anemia. Identifiers: Orphanet 84, MedGen C1836860, MONDO:0012187, OMIM 609054.

Allele frequency attached by ClinVar (database versions not stated): gnomAD exomes below 0.00001.
gnomAD v4.1: 1 of 1,605,764 alleles (0.000062%); highest among the groups gnomAD compares: Non-Finnish European, 0.000085%; no homozygotes.

Submissions (7):

CeGaT Center for Human Genetics Tuebingen
Classification: Pathogenic. Last evaluated: 2025-11-01. Review status: criteria provided, single submitter. Criteria: CeGaT Center For Human Genetics Tuebingen Variant Classification Criteria Version 2. Collection method: clinical testing. Allele origin: germline. Affected: yes. Observed: 1 variant allele.
Comment: BRIP1: PVS1, PM2

Labcorp Genetics (formerly Invitae), Labcorp
Classification: Pathogenic for Familial cancer of breast; Fanconi anemia complementation group J. Last evaluated: 2025-08-11. Review status: criteria provided, single submitter. Criteria: Invitae Variant Classification Sherloc (09022015). Collection method: clinical testing. Allele origin: germline.
Comment: This sequence change creates a premature translational stop signal (p.Gly35*) in the BRIP1 gene. It is expected to result in an absent or disrupted protein product. Loss-of-function variants in BRIP1 are known to be pathogenic (PMID: 16116423, 17033622, 21964575). This variant is not present in population databases (gnomAD no frequency). This variant has not been reported in the literature in individuals affected with BRIP1-related conditions. ClinVar contains an entry for this variant (Variation ID: 530296). For these reasons, this variant has been classified as Pathogenic.

Ambry Genetics
Classification: Pathogenic for Hereditary cancer-predisposing syndrome. Last evaluated: 2023-07-26. Review status: criteria provided, single submitter. Criteria: Ambry Variant Classification Scheme 2023. Collection method: clinical testing. Allele origin: germline.
Comment: The p.G35* pathogenic mutation (also known as c.103G>T), located in coding exon 2 of the BRIP1 gene, results from a G to T substitution at nucleotide position 103. This changes the amino acid from a glycine to a stop codon within coding exon 2. This alteration is expected to result in loss of function by premature protein truncation or nonsense-mediated mRNA decay. As such, this alteration is interpreted as a disease-causing mutation.

Myriad Genetics, Inc.
Classification: Pathogenic for Familial cancer of breast. Last evaluated: 2023-05-30. Review status: criteria provided, single submitter. Criteria: Myriad Autosomal Dominant, Autosomal Recessive and X-Linked Classification Criteria (2023). Collection method: clinical testing. Allele origin: unknown.
Comment: This variant is considered pathogenic. This variant creates a termination codon and is predicted to result in premature protein truncation.

Baylor Genetics
Classification: Likely pathogenic for Familial cancer of breast. Last evaluated: 2022-11-04. Review status: criteria provided, single submitter. Criteria: ACMG Guidelines, 2015. Collection method: clinical testing. Allele origin: unknown.

MGZ Medical Genetics Center
Classification: Likely pathogenic for Familial cancer of breast. Last evaluated: 2021-11-25. Review status: criteria provided, single submitter. Criteria: ACMG Guidelines, 2015. Collection method: clinical testing. Allele origin: germline. Affected: yes. Observed: 1 variant allele.
Comment: ACMG criteria applied: PVS1, PM2_SUP

Color Diagnostics, LLC DBA Color Health
Classification: Pathogenic for Hereditary cancer-predisposing syndrome. Last evaluated: 2020-01-15. Review status: criteria provided, single submitter. Criteria: ACMG Guidelines, 2015. Collection method: clinical testing. Allele origin: germline.
Comment: This variant changes 1 nucleotide in exon 3 of the BRIP1 gene, creating a premature translation stop signal. This variant is expected to result in an absent or non-functional protein product. This variant has not been identified in the general population by the Genome Aggregation Database (gnomAD). Loss of BRIP1 function is a known mechanism of disease. Based on the available evidence, this variant is classified as Pathogenic.

Literature cited by the submitters: PubMed 16116423 (cited by Labcorp Genetics (formerly Invitae), Labcorp); PubMed 17033622 (cited by Labcorp Genetics (formerly Invitae), Labcorp); PubMed 21964575 (cited by Labcorp Genetics (formerly Invitae), Labcorp).